The following is an entry in ClinVar:

NM_001162501.2(TNRC6B):c.2708A>G (p.Asn903Ser)

Gene: TNRC6B (trinucleotide repeat containing adaptor 6B; plus strand). Cytogenetic location: 22q13.1.
Variant type: single nucleotide variant.
Coding change: c.2708A>G on transcript NM_001162501.2 (MANE Select); coding-DNA position 2708, A replaced by G.
Protein change: p.Asn903Ser; replaces asparagine 903 with serine.
Molecular consequence: missense variant. On other transcripts: intron variant (1).
Genome position (GRCh38, 1-based): chr22:40,266,938, A>G. VCF-style: chr22-40266938-A-G. GRCh37 (hg19) VCF-style: chr22-40662942-A-G.
Other names: c.2708A>G, p.Asn903Ser (NM_015088.3); c.566-3184A>G (NM_001024843.2); short protein forms N903S.
Identifiers: ClinVar variation 4851664 (VCV004851664.1).
Genomic context (GRCh38, chr22:40,266,938, plus strand): 5'-TTAGTCGGAAAATGGACATTGATGATGGCACTTCAGCATGGGGAGACCCTAACAGTTATA[A>G]CTACAAGAATGTGAATCTGTGGGATAAGAATTCCCAAGGGGGCCCAGCACCTCGAGAACC-3'
Protein context (NP_001155973.1, residues 893-913): TSAWGDPNSY[Asn903Ser]YKNVNLWDKN

ClinVar aggregate classification (germline): Uncertain significance (1 of 4 stars; one submission).

Submission:

Greenwood Genetic Center Diagnostic Laboratories, Greenwood Genetic Center
Classification: Uncertain significance. Last evaluated: 2025-02-05. Review status: criteria provided, single submitter. Criteria: ACMG Guidelines, 2015. Collection method: clinical testing. Allele origin: germline.
Comment: PM2, BP4